The following is an entry in ClinVar:

ClinVar aggregate classification (germline): Likely benign (0 of 4 stars; one submission).

Conditions:
DOCK6-related disorder. Also called: DOCK6-related condition.

gnomAD v4.1: 1 of 1,465,466 alleles (0.000068%); highest among the groups gnomAD compares: African/African-American, 0.0015%; no homozygotes.

Submission:

PreventionGenetics, part of Exact Sciences
Classification: Likely benign for DOCK6-related condition. Last evaluated: 2023-03-21. Review status: no assertion criteria provided. Collection method: clinical testing. Allele origin: germline.
Comment: This variant is classified as likely benign based on ACMG/AMP sequence variant interpretation guidelines (Richards et al. 2015 PMID: 25741868, with internal and published modifications).

NM_020812.4(DOCK6):c.99C>T (p.Pro33=)

Gene: DOCK6 (dedicator of cytokinesis 6; minus strand). Cytogenetic location: 19p13.2.
Variant type: single nucleotide variant.
Coding change: c.99C>T on transcript NM_020812.4 (MANE Select); coding-DNA position 99, C replaced by T.
Protein change: p.Pro33=; no amino-acid change (proline 33 retained).
Molecular consequence: synonymous variant.
Genome position (GRCh38, 1-based): chr19:11,253,672, G>A on the plus strand (C>T on the coding strand, the complement: DOCK6 is on the minus strand). VCF-style: chr19-11253672-G-A. GRCh37 (hg19) VCF-style: chr19-11364348-G-A.
Other names: c.99C>T, p.Pro33= (NM_001367830.1).
Identifiers: ClinVar variation 3045506 (VCV003045506.2), dbSNP rs749843479, ClinGen allele CA505500015.